The following is an entry in ClinVar:

ClinVar aggregate classification (germline): Uncertain significance (1 of 4 stars; one submission).

Conditions:
Dystonia 24 (DYT24). Also called: DYT-ANO3. Identifiers: Orphanet 420485, MedGen C3554374, MONDO:0014019, OMIM 615034.

Allele frequency attached by ClinVar (database versions not stated): TOPMed below 0.00001; gnomAD exomes 0.00001; ExAC 0.00002; ESP Exome Variant Server 0.00015.
gnomAD v4.1: 12 of 1,613,924 alleles (0.00074%); highest among the groups gnomAD compares: South Asian, 0.0055%; 1 homozygote.

Submission:

MGZ Medical Genetics Center
Classification: Uncertain significance for Dystonia 24. Last evaluated: 2021-08-25. Review status: criteria provided, single submitter. Criteria: ACMG Guidelines, 2015. Collection method: clinical testing. Allele origin: germline. Affected: yes. Observed: 1 variant allele.
Comment: ACMG criteria applied: PM2_SUP, PP3

NM_031418.4(ANO3):c.1714C>T (p.Arg572Cys)

Gene: ANO3 (anoctamin 3; plus strand). Cytogenetic location: 11p14.2.
Variant type: single nucleotide variant.
Coding change: c.1714C>T on transcript NM_031418.4 (MANE Select); coding-DNA position 1714, C replaced by T.
Protein change: p.Arg572Cys; replaces arginine 572 with cysteine.
Molecular consequence: missense variant.
Genome position (GRCh38, 1-based): chr11:26,599,592, C>T. VCF-style: chr11-26599592-C-T. GRCh37 (hg19) VCF-style: chr11-26621139-C-T.
Other names: c.1897C>T, p.Arg633Cys (NM_001313726.2); c.1276C>T, p.Arg426Cys (NM_001313727.2); short protein forms R426C, R572C, R633C.
Identifiers: ClinVar variation 1709837 (VCV001709837.2), dbSNP rs374074789, ClinGen allele CA5926316.